The following is an entry in ClinVar:

ClinVar aggregate classification (germline): Conflicting classifications of pathogenicity. Review status: criteria provided, conflicting classifications (1 of 4 stars). 6 submissions from 6 submitters: Likely pathogenic (5); Uncertain significance (1). Last evaluated 2026-03-07.

Conditions:
Lateral meningocele syndrome (LMNS). Also called: NOTCH3-Related Lateral Meningocele Syndrome. Identifiers: Orphanet 2789, MedGen C1851710, MONDO:0007537, OMIM 130720.
Cerebral arteriopathy, autosomal dominant, with subcortical infarcts and leukoencephalopathy, type 1 (CADASIL1). Also called: CASIL; Cerebral arteriopathy with subcortical infarcts and leukoencephalopathy 1; DEMENTIA, HEREDITARY MULTIINFARCT TYPE; CADASIL 1. Identifiers: Orphanet 136, MedGen C4551768, MONDO:0000914, OMIM 125310.
Myofibromatosis, infantile, 2. Identifiers: Orphanet 2591, MedGen C3809084, MONDO:0014122, OMIM 615293.

Submissions (6):

GeneDx
Classification: Likely pathogenic. Last evaluated: 2026-03-07. Review status: criteria provided, single submitter. Criteria: GeneDx Variant Classification Process June 2021. Collection method: clinical testing. Allele origin: germline.
Comment: Published functional studies suggest a damaging effect where p.(D80G) showed significantly increased multimerization relative to wild type (PMID: 25604251); Not observed at significant frequency in large population cohorts (gnomAD); In silico analysis supports that this missense variant has a deleterious effect on protein structure/function; This variant is associated with the following publications: (PMID: 30355220, 33254371, 33942994, 24840674, 30476936, 28902129, 39610302, 25922511, 33895122, 36232798, 33161845, 32477100, 41018180, 39201482, 38254727, 39759869, 25922512, 25604251)

Mayo Clinic Laboratories, Mayo Clinic
Classification: Likely pathogenic. Last evaluated: 2025-10-08. Review status: criteria provided, single submitter. Criteria: ACMG Guidelines, 2015. Collection method: clinical testing. Allele origin: germline. Observed: 2 variant alleles.
Comment: PP1_strong, PP2, PP3_strong, PP4, PM2_supporting, PS3_supporting

Athena Diagnostics
Classification: Likely pathogenic. Last evaluated: 2025-07-11. Review status: criteria provided, single submitter. Criteria: Athena Diagnostics Criteria. Collection method: clinical testing. Allele origin: unknown.
Comment: This variant has not been reported in large, multi-ethnic general populations. This variant has been identified in at least one individual with clinical features associated with this gene. Assessment of experimental evidence suggests this variant results in abnormal protein function. (PMID: 25604251) Greater than 90% of NOTCH3 pathogenic variants associated with CADASIL involve the gain or loss of a cysteine residue within the epidermal growth factor (EGF)-like repeat domain (PMID: 32457593, 20301673).

Labcorp Genetics (formerly Invitae), Labcorp
Classification: Uncertain significance. Last evaluated: 2024-01-26. Review status: criteria provided, single submitter. Criteria: Invitae Variant Classification Sherloc (09022015). Collection method: clinical testing. Allele origin: germline.
Comment: This sequence change replaces aspartic acid, which is acidic and polar, with glycine, which is neutral and non-polar, at codon 80 of the NOTCH3 protein (p.Asp80Gly). This variant is not present in population databases (gnomAD no frequency). This missense change has been observed in individual(s) with cerebral arteriopathy with subcortical infarcts and leukoencephalopathy (PMID: 24840674, 25604251). It has also been observed to segregate with disease in related individuals. ClinVar contains an entry for this variant (Variation ID: 993546). Advanced modeling of protein sequence and biophysical properties (such as structural, functional, and spatial information, amino acid conservation, physicochemical variation, residue mobility, and thermodynamic stability) performed at Invitae indicates that this missense variant is expected to disrupt NOTCH3 protein function with a positive predictive value of 80%. Experimental studies have shown that this missense change affects NOTCH3 function (PMID: 25604251). In summary, the available evidence is currently insufficient to determine the role of this variant in disease. Therefore, it has been classified as a Variant of Uncertain Significance.

ARUP Laboratories, Molecular Genetics and Genomics, ARUP Laboratories
Classification: Likely pathogenic. Last evaluated: 2020-06-09. Review status: criteria provided, single submitter. Criteria: ARUP Molecular Germline Variant Investigation Process. Collection method: clinical testing. Allele origin: germline.
Comment: The NOTCH3 c.239A>G; p.Asp80Gly variant is reported in the literature in a family affected with CADASIL and co-segregated with disease in four affected relatives (Wollenweber 2015). Although the diagnosis of this family was questioned by one group (Rutten 2015), the clinical presentation, MRI profiles, and pathology results from affected family members were judged by other groups to be highly consistent with a specific diagnosis of CADASIL (Wollenweber 2015, Muino 2017). The p.Asp80Gly variant is absent from general population databases (Exome Variant Server, Genome Aggregation Database), indicating it is not a common polymorphism. The aspartate at codon 80 is highly conserved, it occurs in the second EGF-like domain, and computational analyses (SIFT, PolyPhen-2) predict that this variant is deleterious. While most pathogenic NOTCH3 variants occur in exons 2-24 and either create or destroy a cysteine residue within an EGF-like domain (Rutten 2014), the p.Asp80Gly variant does not involve a cysteine residue. However, functional studies suggest the p.Asp80Gly variant protein forms multimers or aggregates at a similar rate to known CADASIL-associated, cysteine-affecting variants (Wollenweber 2015), suggesting it may function through the same mechanism by which other pathogenic NOTCH3 variants are thought to cause disease (Muino 2017). Based on available information, the p.Asp80Gly variant is considered to be likely pathogenic. References: Muino E et al. Systematic Review of Cysteine-Sparing NOTCH3 Missense Mutations in Patients with Clinical Suspicion of CADASIL. Int J Mol Sci. 2017 Sep 13;18(9). pii: E1964. Rutten JW et al. Interpretation of NOTCH3 mutations in the diagnosis of CADASIL. Expert Rev Mol Diagn. 2014 Jun;14(5):593-603. Rutten J et al. Letter by Rutten et al Regarding Article, "Cysteine-Sparing CADASIL Mutations in NOTCH3 Show Proaggregatory Properties In Vitro". Stroke. 2015;46(6):e153. Wollenweber FA et al. Cysteine-sparing CADASIL mutations in NOTCH3 show proaggregatory properties in vitro. Stroke. 2015;46(3):786-792.

Juno Genomics, Hangzhou Juno Genomics, Inc
Classification: Likely pathogenic for Myofibromatosis, infantile, 2; Cerebral arteriopathy, autosomal dominant, with subcortical infarcts and leukoencephalopathy, type 1; Lateral meningocele syndrome. Review status: criteria provided, single submitter. Criteria: ACMG Guidelines, 2015. Collection method: clinical testing. Allele origin: germline. Affected: yes.
Comment: Absent from controls (or at extremely low frequency if recessive) in Genome Aggregation Database, Exome Sequencing Project, 1000 Genomes Project, or Exome Aggregation Consortium.;The prevalence of the variant in affected individuals is significantly increased compared to the prevalence in controls.;Co-segregation with disease in multiple affected family members in a gene definitively known to cause the disease.;Multiple lines of computational evidence support a deleterious effect on the gene or gene product (conservation, evolutionary, splicing impact, etc).;Patient's phenotype or family history is highly specific for a disease with a single genetic etiology.;Well-established in vitro or in vivo functional studies supportive of a damaging effect on the gene or gene product.

Literature cited by the submitters: PubMed 24840674 (cited by 3 submitters); PubMed 25604251 (cited by 3 submitters); PubMed 28902129 (cited by Mayo Clinic Laboratories, Mayo Clinic and Athena Diagnostics); PubMed 30355220 (cited by Mayo Clinic Laboratories, Mayo Clinic); PubMed 30476936 (cited by Mayo Clinic Laboratories, Mayo Clinic); PubMed 32477100 (cited by Mayo Clinic Laboratories, Mayo Clinic); PubMed 33161845 (cited by Mayo Clinic Laboratories, Mayo Clinic); PubMed 33254371 (cited by Mayo Clinic Laboratories, Mayo Clinic); PubMed 33895122 (cited by Mayo Clinic Laboratories, Mayo Clinic); PubMed 33942994 (cited by Mayo Clinic Laboratories, Mayo Clinic); PubMed 38254727 (cited by Mayo Clinic Laboratories, Mayo Clinic); PubMed 39201482 (cited by Mayo Clinic Laboratories, Mayo Clinic); PubMed 39610302 (cited by Mayo Clinic Laboratories, Mayo Clinic); PubMed 39759869 (cited by Mayo Clinic Laboratories, Mayo Clinic); PubMed 41018180 (cited by Mayo Clinic Laboratories, Mayo Clinic); PubMed 36232798 (cited by Athena Diagnostics); PubMed 25922512 (cited by Athena Diagnostics).

NM_000435.3(NOTCH3):c.239A>G (p.Asp80Gly)

Gene: NOTCH3 (notch receptor 3; minus strand). Cytogenetic location: 19p13.12.
Variant type: single nucleotide variant.
Coding change: c.239A>G on transcript NM_000435.3 (MANE Select); coding-DNA position 239, A replaced by G.
Protein change: p.Asp80Gly; replaces aspartic acid 80 with glycine.
Molecular consequence: missense variant.
Genome position (GRCh38, 1-based): chr19:15,192,478, T>C on the plus strand (A>G on the coding strand, the complement: NOTCH3 is on the minus strand). VCF-style: chr19-15192478-T-C. GRCh37 (hg19) VCF-style: chr19-15303289-T-C.
Other names: p.Asp80Gly; c.239A>G (NM_000435.2); short protein forms D80G.
Identifiers: ClinVar variation 993546 (VCV000993546.16), dbSNP rs1599395616, ClinGen allele CA404535099.